The following is an entry in ClinVar:

ClinVar aggregate classification (germline): Uncertain significance (1 of 4 stars; one submission).

Submission:

Ambry Genetics
Classification: Uncertain significance. Last evaluated: 2022-04-07. Review status: criteria provided, single submitter. Criteria: Ambry Variant Classification Scheme 2023. Collection method: clinical testing. Allele origin: germline.
Comment: The p.K523N variant (also known as c.1569G>T), located in coding exon 3 of the ALPK2 gene, results from a G to T substitution at nucleotide position 1569. The lysine at codon 523 is replaced by asparagine, an amino acid with similar properties. This amino acid position is conserved. In addition, this alteration is predicted to be tolerated by in silico analysis. Since supporting evidence is limited at this time, the clinical significance of this alteration remains unclear.

NM_052947.4(ALPK2):c.1569G>T (p.Lys523Asn)

Gene: ALPK2 (alpha kinase 2; minus strand). Cytogenetic location: 18q21.31.
Variant type: single nucleotide variant.
Coding change: c.1569G>T on transcript NM_052947.4 (MANE Select); coding-DNA position 1569, G replaced by T.
Protein change: p.Lys523Asn; replaces lysine 523 with asparagine.
Molecular consequence: missense variant.
Genome position (GRCh38, 1-based): chr18:58,579,207, C>A on the plus strand (G>T on the coding strand, the complement: ALPK2 is on the minus strand). VCF-style: chr18-58579207-C-A. GRCh37 (hg19) VCF-style: chr18-56246439-C-A.
Other names: short protein forms K523N.
Identifiers: ClinVar variation 1775453 (VCV001775453.2), dbSNP rs2518898823, ClinGen allele CA402562023.